The following is an entry in ClinVar:

NM_022765.4(MICAL1):c.3035G>A (p.Arg1012Gln)

Gene: MICAL1 (microtubule associated monooxygenase, calponin and LIM domain containing 1; minus strand). Cytogenetic location: 6q21.
Variant type: single nucleotide variant.
Coding change: c.3035G>A on transcript NM_022765.4 (MANE Select); coding-DNA position 3035, G replaced by A.
Protein change: p.Arg1012Gln; replaces arginine 1012 with glutamine.
Molecular consequence: missense variant.
Genome position (GRCh38, 1-based): chr6:109,444,745, C>T on the plus strand (G>A on the coding strand, the complement: MICAL1 is on the minus strand). VCF-style: chr6-109444745-C-T. GRCh37 (hg19) VCF-style: chr6-109765948-C-T.
Other names: c.3035G>A (NM_022765.3); c.2777G>A, p.Arg926Gln (NM_001159291.2); c.3092G>A, p.Arg1031Gln (NM_001286613.2); short protein forms R1031Q, R1012Q, R926Q.
Identifiers: ClinVar variation 1983813 (VCV001983813.5), dbSNP rs765492673, ClinGen allele CA3952670.
Genomic context (GRCh38, chr6:109,444,745, plus strand): 5'-ATCCCTGGGATGTGTCTGCTTCTCCCCACATTTCACCTACCTTCCCGGTTCATGTAGCCT[C>T]GTAGCTCCTGGTCCAGCTGCCACTGTTTCTCCTCCAGATTCAATTCCTGCACCCTGTGGA-3'
Protein context (NP_073602.3, residues 1002-1022): EKQWQLDQEL[Arg1012Gln]GYMNREENLK

ClinVar aggregate classification (germline): Uncertain significance. Review status: criteria provided, multiple submitters, no conflicts (2 of 4 stars). 2 submissions from 2 submitters: Uncertain significance (2). Last evaluated 2025-07-20.

Allele frequency attached by ClinVar (database versions not stated): ExAC 0.00001; gnomAD 0.00001; TOPMed 0.00002.
gnomAD v4.1: 38 of 1,613,994 alleles (0.0024%); highest among the groups gnomAD compares: South Asian, 0.019%; 1 homozygote.

Submissions (2):

Labcorp Genetics (formerly Invitae), Labcorp
Classification: Uncertain significance. Last evaluated: 2025-07-20. Review status: criteria provided, single submitter. Criteria: Invitae Variant Classification Sherloc (09022015). Collection method: clinical testing. Allele origin: germline.
Comment: This sequence change replaces arginine, which is basic and polar, with glutamine, which is neutral and polar, at codon 1031 of the MICAL1 protein (p.Arg1031Gln). This variant is present in population databases (rs765492673, gnomAD 0.006%). This variant has not been reported in the literature in individuals affected with MICAL1-related conditions. ClinVar contains an entry for this variant (Variation ID: 1983813). An algorithm developed to predict the effect of missense changes on protein structure and function (PolyPhen-2) suggests that this variant is likely to be disruptive. In summary, the available evidence is currently insufficient to determine the role of this variant in disease. Therefore, it has been classified as a Variant of Uncertain Significance.

Ambry Genetics
Classification: Uncertain significance. Last evaluated: 2024-02-12. Review status: criteria provided, single submitter. Criteria: Ambry Variant Classification Scheme 2023. Collection method: clinical testing. Allele origin: germline.